The following is an entry in ClinVar:

NM_000428.3(LTBP2):c.887G>A (p.Arg296His)

Gene: LTBP2 (latent transforming growth factor beta binding protein 2; minus strand). Cytogenetic location: 14q24.3.
Variant type: single nucleotide variant.
Coding change: c.887G>A on transcript NM_000428.3 (MANE Select); coding-DNA position 887, G replaced by A.
Protein change: p.Arg296His; replaces arginine 296 with histidine.
Molecular consequence: missense variant.
Genome position (GRCh38, 1-based): chr14:74,555,637, C>T on the plus strand (G>A on the coding strand, the complement: LTBP2 is on the minus strand). VCF-style: chr14-74555637-C-T. GRCh37 (hg19) VCF-style: chr14-75022340-C-T.
Other names: c.887G>A (NM_000428.2); short protein forms R296H.
Identifiers: ClinVar variation 1949526 (VCV001949526.5), dbSNP rs937320332, ClinGen allele CA263609480.

ClinVar aggregate classification (germline): Uncertain significance (1 of 4 stars; one submission).

Conditions:
Microspherophakia and/or megalocornea, with ectopia lentis and with or without secondary glaucoma (MSPKA). Identifiers: Orphanet 238763, MedGen C3538951, MONDO:0009633, OMIM 251750.
Glaucoma 3, primary congenital, D. Identifiers: Orphanet 98976, MedGen C2751316, MONDO:0013122, OMIM 613086.

Allele frequency attached by ClinVar (database versions not stated): TOPMed 0.00002; gnomAD 0.00001.
gnomAD v4.1: 17 of 1,594,054 alleles (0.0011%); highest among the groups gnomAD compares: African/African-American, 0.0013%; no homozygotes.

Submission:

Labcorp Genetics (formerly Invitae), Labcorp
Classification: Uncertain significance. Last evaluated: 2023-04-24. Review status: criteria provided, single submitter. Criteria: Invitae Variant Classification Sherloc (09022015). Collection method: clinical testing. Allele origin: germline.
Comment: The frequency data for this variant in the population databases is considered unreliable, as metrics indicate poor data quality at this position in the gnomAD database. In summary, the available evidence is currently insufficient to determine the role of this variant in disease. Therefore, it has been classified as a Variant of Uncertain Significance. An algorithm developed to predict the effect of missense changes on protein structure and function (PolyPhen-2) suggests that this variant is likely to be disruptive. ClinVar contains an entry for this variant (Variation ID: 1949526). This variant has not been reported in the literature in individuals affected with LTBP2-related conditions. This sequence change replaces arginine, which is basic and polar, with histidine, which is basic and polar, at codon 296 of the LTBP2 protein (p.Arg296His).